The following is an entry in ClinVar:

ClinVar aggregate classification (germline): Uncertain significance (1 of 4 stars; one submission).

Conditions:
Arrhythmogenic right ventricular dysplasia 9 (ARVD9). Also called: Arrhythmogenic Right Ventricular Dysplasia/Cardiomyopathy 9; ARRHYTHMOGENIC RIGHT VENTRICULAR DYSPLASIA, FAMILIAL, 9. Identifiers: MedGen C1836906, MONDO:0012180, OMIM 609040.

Submission:

Labcorp Genetics (formerly Invitae), Labcorp
Classification: Uncertain significance for Arrhythmogenic right ventricular dysplasia 9. Last evaluated: 2020-07-30. Review status: criteria provided, single submitter. Criteria: Invitae Variant Classification Sherloc (09022015). Collection method: clinical testing. Allele origin: germline.
Comment: This variant is not present in population databases (ExAC no frequency). In summary, the available evidence is currently insufficient to determine the role of this variant in disease. Therefore, it has been classified as a Variant of Uncertain Significance. Algorithms developed to predict the effect of missense changes on protein structure and function (SIFT, PolyPhen-2, Align-GVGD) all suggest that this variant is likely to be tolerated, but these predictions have not been confirmed by published functional studies and their clinical significance is uncertain. This variant has not been reported in the literature in individuals with PKP2-related conditions. This sequence change replaces threonine with isoleucine at codon 298 of the PKP2 protein (p.Thr298Ile). The threonine residue is weakly conserved and there is a moderate physicochemical difference between threonine and isoleucine.

NM_001005242.3(PKP2):c.893C>T (p.Thr298Ile)

Gene: PKP2 (plakophilin 2; minus strand). Cytogenetic location: 12p11.21.
Variant type: single nucleotide variant.
Coding change: c.893C>T on transcript NM_001005242.3 (MANE Select); coding-DNA position 893, C replaced by T.
Protein change: p.Thr298Ile; replaces threonine 298 with isoleucine.
Molecular consequence: missense variant.
Genome position (GRCh38, 1-based): chr12:32,877,987, G>A on the plus strand (C>T on the coding strand, the complement: PKP2 is on the minus strand). VCF-style: chr12-32877987-G-A. GRCh37 (hg19) VCF-style: chr12-33030921-G-A.
Other names: c.893C>T, p.Thr298Ile (NM_004572.4); short protein forms T298I.
Identifiers: ClinVar variation 1060136 (VCV001060136.9), dbSNP rs753271708, ClinGen allele CA384362075.
Genomic context (GRCh38, chr12:32,877,987, plus strand): 5'-TGCGCTCTCCTCCCGCTGGAATCCACGGCGACACTGGGCCCAGCTTCCCTCAGCGTGCGG[G>A]TGCTGTGGAAGGAGCTCTGATGCCAGGAGGACCTGGAAGCCCTGTTCTGAGTGACGGGCT-3'
Protein context (NP_001005242.2, residues 288-308): SSWHQSSFHS[Thr298Ile]RTLREAGPSV